The following is an entry in ClinVar:

NM_000263.4(NAGLU):c.1541G>A (p.Arg514His)

Gene: NAGLU (N-acetyl-alpha-glucosaminidase; plus strand). Cytogenetic location: 17q21.2.
Variant type: single nucleotide variant.
Coding change: c.1541G>A on transcript NM_000263.4 (MANE Select); coding-DNA position 1541, G replaced by A.
Protein change: p.Arg514His; replaces arginine 514 with histidine.
Molecular consequence: missense variant.
Genome position (GRCh38, 1-based): chr17:42,543,547, G>A. VCF-style: chr17-42543547-G-A. GRCh37 (hg19) VCF-style: chr17-40695565-G-A.
Other names: p.Arg514His; c.1541G>A (NM_000263.3); short protein forms R514H.
Identifiers: ClinVar variation 2139876 (VCV002139876.4), dbSNP rs771560656, ClinGen allele CA8577049.

ClinVar aggregate classification (germline): Conflicting classifications of pathogenicity. Review status: criteria provided, conflicting classifications (1 of 4 stars). 4 submissions from 4 submitters: Uncertain significance (3); Likely benign (1). Last evaluated 2024-03-26.

Conditions:
Charcot-Marie-Tooth disease axonal type 2V. Also called: CHARCOT-MARIE-TOOTH NEUROPATHY, TYPE 2V; CHARCOT-MARIE-TOOTH DISEASE, AXONAL, AUTOSOMAL DOMINANT, TYPE 2V. Identifiers: Orphanet 447964, MedGen C5569050, MONDO:0014665, OMIM 616491.
Mucopolysaccharidosis, MPS-III-B (MPS3B). Also called: N-ACETYL-ALPHA-D-GLUCOSAMINIDASE DEFICIENCY; NAGLU DEFICIENCY; SANFILIPPO SYNDROME B; MPS III B; MUCOPOLYSACCHARIDOSIS, TYPE IIIB; MPS IIIB (Sanfilippo Syndrome Type B). Identifiers: Orphanet 79270, MedGen C0086648, MONDO:0009656, OMIM 252920.
Inborn genetic diseases. Identifiers: MedGen C0950123, MeSH D030342.

Allele frequency attached by ClinVar (database versions not stated): gnomAD 0.00003; TOPMed 0.00004; ExAC 0.00007.

Submissions (4):

Blueprint Genetics
Classification: Uncertain significance. Last evaluated: 2024-03-26. Review status: criteria provided, single submitter. Criteria: ACMG Guidelines, 2015. Collection method: clinical testing. Allele origin: germline.

Mayo Clinic Laboratories, Mayo Clinic
Classification: Uncertain significance. Last evaluated: 2024-02-02. Review status: criteria provided, single submitter. Criteria: ACMG Guidelines, 2015. Collection method: clinical testing. Allele origin: germline. Observed: 1 variant allele.

Labcorp Genetics (formerly Invitae), Labcorp
Classification: Uncertain significance for Charcot-Marie-Tooth disease axonal type 2V; Mucopolysaccharidosis, MPS-III-B. Last evaluated: 2022-08-09. Review status: criteria provided, single submitter. Criteria: Invitae Variant Classification Sherloc (09022015). Collection method: clinical testing. Allele origin: germline.
Comment: This sequence change replaces arginine, which is basic and polar, with histidine, which is basic and polar, at codon 514 of the NAGLU protein (p.Arg514His). This variant is present in population databases (rs771560656, gnomAD 0.04%). This variant has not been reported in the literature in individuals affected with NAGLU-related conditions. Advanced modeling of protein sequence and biophysical properties (such as structural, functional, and spatial information, amino acid conservation, physicochemical variation, residue mobility, and thermodynamic stability) performed at Invitae indicates that this missense variant is not expected to disrupt NAGLU protein function. In summary, the available evidence is currently insufficient to determine the role of this variant in disease. Therefore, it has been classified as a Variant of Uncertain Significance.

Ambry Genetics
Classification: Likely benign for Inborn genetic diseases. Last evaluated: 2021-08-09. Review status: criteria provided, single submitter. Criteria: Ambry Variant Classification Scheme 2023. Collection method: clinical testing. Allele origin: germline.